The following is an entry in ClinVar:

NM_001378418.1(TCF20):c.1991A>G (p.Lys664Arg)

Gene: TCF20 (transcription factor 20; minus strand). Cytogenetic location: 22q13.2.
Variant type: single nucleotide variant.
Coding change: c.1991A>G on transcript NM_001378418.1 (MANE Select); coding-DNA position 1991, A replaced by G.
Protein change: p.Lys664Arg; replaces lysine 664 with arginine.
Molecular consequence: missense variant.
Genome position (GRCh38, 1-based): chr22:42,213,315, T>C on the plus strand (A>G on the coding strand, the complement: TCF20 is on the minus strand). VCF-style: chr22-42213315-T-C. GRCh37 (hg19) VCF-style: chr22-42609321-T-C.
Other names: c.1991A>G, p.Lys664Arg (NM_005650.4, NM_181492.3); short protein forms K664R.
Identifiers: ClinVar variation 3617421 (VCV003617421.2).
Genomic context (GRCh38, chr22:42,213,315, plus strand): 5'-CCACTCTGGCCATTTCCTTCTCCATTATGGTTGGAGTTGTTATCGCCATTCTTGTTTCCT[T>C]TGCTCCCTCCTCCTCCTGGAGGCTCTGGCTGGGGAAGTGATGCATGACTGGTTTCCTTTG-3'
Protein context (NP_001365347.1, residues 654-674): QPEPPGGGGS[Lys664Arg]GNKNGDNNSN

ClinVar aggregate classification (germline): Uncertain significance (1 of 4 stars; one submission).

gnomAD v4.1: 1 of 1,614,198 alleles (0.000062%); highest among the groups gnomAD compares: East Asian, 0.0022%; no homozygotes.

Submission:

Labcorp Genetics (formerly Invitae), Labcorp
Classification: Uncertain significance. Last evaluated: 2024-12-24. Review status: criteria provided, single submitter. Criteria: Invitae Variant Classification Sherloc (09022015). Collection method: clinical testing. Allele origin: germline.
Comment: This sequence change replaces lysine, which is basic and polar, with arginine, which is basic and polar, at codon 664 of the TCF20 protein (p.Lys664Arg). This variant is not present in population databases (gnomAD no frequency). This variant has not been reported in the literature in individuals affected with TCF20-related conditions. An algorithm developed to predict the effect of missense changes on protein structure and function (PolyPhen-2) suggests that this variant is likely to be disruptive. In summary, the available evidence is currently insufficient to determine the role of this variant in disease. Therefore, it has been classified as a Variant of Uncertain Significance.